The following is an entry in ClinVar:

GRCh37/hg19 15q11.2-13.3(chr15:22770422-32915593)x3

Genes: APBA2 (amyloid beta precursor protein binding family A member 2; plus strand), ARHGAP11A (Rho GTPase activating protein 11A; plus strand), ARHGAP11B (Rho GTPase activating protein 11B), ATP10A (ATPase phospholipid transporting 10A (putative); minus strand), CHRFAM7A (CHRNA7 (exons 5-10) and FAM7A (exons A-E) fusion; minus strand) and 42 more. Cytogenetic location: 15q11.2-13.3.
Variant type: copy number gain.
Change: copy number 3 (three copies instead of two) of chr15:22,770,422-32,915,593 (10.15 Mb, GRCh37 coordinates, 1-based), cytogenetic band 15q11.2-13.3.
Identifiers: ClinVar variation 2684749 (VCV002684749.1).

ClinVar aggregate classification (germline): Pathogenic (1 of 4 stars; one submission).

Submission:

Quest Diagnostics Nichols Institute San Juan Capistrano
Classification: Pathogenic. Last evaluated: 2023-06-20. Review status: criteria provided, single submitter. Criteria: ACMG/ClinGen CNV Guidelines, 2019. Collection method: clinical testing. Allele origin: unknown.
Comment: This copy number gain overlaps the Prader Willi/Angelman syndrome (PWS/AS) critical region and the interval (BP1-BP3) associated with recurrent 15q11q13 duplication syndrome (OMIM 608636). Clinical features associated with 15q11-q13 duplication syndrome (OMIM 608636) can vary between and within families (Urraca 2013, Marini 2013, Song 2022, Lusk 2016). Therefore, this copy number variant is classified as pathogenic. References: Lusk et al., GeneReviews [Internet]. Seattle (WA): University of Washington, Seattle; 1993. 2016 Jun 16 [updated 2021 Jul 15]. PMID: 27308687 Marini et al. Am J Med Genet A. 2013;161A(6):1459-64. PMID: 23633446 Urraca et al. Autism Res. 2013;6(4):268-79 PMID: 23495136